The following is an entry in ClinVar:

ClinVar aggregate classification (germline): Uncertain significance. Review status: criteria provided, multiple submitters, no conflicts (2 of 4 stars). 2 submissions from 2 submitters: Uncertain significance (2). Last evaluated 2025-06-03.

Conditions:
Developmental and epileptic encephalopathy, 34 (DEE34). Also called: Early infantile epileptic encephalopathy 34; SLC12A5-Related Epilepsy of Infancy with Migrating Focal Seizures. Identifiers: Orphanet 293181, MedGen C4225257, MONDO:0014718, OMIM 616645.

Allele frequency attached by ClinVar (database versions not stated): TOPMed 0.00002; ExAC 0.00004; gnomAD 0.00004; gnomAD exomes 0.00004; ESP Exome Variant Server 0.00008.
gnomAD v4.1: 64 of 1,613,974 alleles (0.004%); highest among the groups gnomAD compares: Non-Finnish European, 0.0051%; no homozygotes.

Submissions (2):

Ambry Genetics
Classification: Uncertain significance. Last evaluated: 2025-06-03. Review status: criteria provided, single submitter. Criteria: Ambry Variant Classification Scheme 2023. Collection method: clinical testing. Allele origin: germline.

Labcorp Genetics (formerly Invitae), Labcorp
Classification: Uncertain significance for Developmental and epileptic encephalopathy, 34. Last evaluated: 2023-11-27. Review status: criteria provided, single submitter. Criteria: Invitae Variant Classification Sherloc (09022015). Collection method: clinical testing. Allele origin: germline.
Comment: This sequence change replaces glycine, which is neutral and non-polar, with aspartic acid, which is acidic and polar, at codon 1028 of the SLC12A5 protein (p.Gly1028Asp). This variant is present in population databases (rs367960887, gnomAD 0.007%). This variant has not been reported in the literature in individuals affected with SLC12A5-related conditions. ClinVar contains an entry for this variant (Variation ID: 946716). Advanced modeling of protein sequence and biophysical properties (such as structural, functional, and spatial information, amino acid conservation, physicochemical variation, residue mobility, and thermodynamic stability) performed at Invitae indicates that this missense variant is not expected to disrupt SLC12A5 protein function with a negative predictive value of 95%. In summary, the available evidence is currently insufficient to determine the role of this variant in disease. Therefore, it has been classified as a Variant of Uncertain Significance.

NM_020708.5(SLC12A5):c.3083G>A (p.Gly1028Asp)

Gene: SLC12A5 (solute carrier family 12 member 5; plus strand). Cytogenetic location: 20q13.12.
Variant type: single nucleotide variant.
Coding change: c.3083G>A on transcript NM_020708.5 (MANE Select); coding-DNA position 3083, G replaced by A.
Protein change: p.Gly1028Asp; replaces glycine 1028 with aspartic acid.
Molecular consequence: missense variant.
Genome position (GRCh38, 1-based): chr20:46,056,537, G>A. VCF-style: chr20-46056537-G-A. GRCh37 (hg19) VCF-style: chr20-44685176-G-A.
Other names: c.3152G>A, p.Gly1051Asp (NM_001134771.2); c.3152G>A (NM_001134771.1); short protein forms G1051D, G1028D.
Identifiers: ClinVar variation 946716 (VCV000946716.7), dbSNP rs367960887, ClinGen allele CA9887777.